The following is an entry in ClinVar:

ClinVar aggregate classification (germline): Pathogenic (1 of 4 stars; one submission).

Conditions:
TG-related disorder. Also called: TG-related condition; TG-related disorders.

gnomAD v4.1: 3 of 1,613,778 alleles (0.00019%); highest among the groups gnomAD compares: East Asian, 0.0045%; no homozygotes.

Submission:

Women's Health and Genetics/Laboratory Corporation of America, LabCorp
Classification: Pathogenic for TG-Related Disorders. Last evaluated: 2024-10-16. Review status: criteria provided, single submitter. Criteria: LabCorp Variant Classification Summary - May 2015. Collection method: clinical testing. Allele origin: germline.
Comment: Variant summary: TG c.5713C>T (p.Gln1905X) results in a premature termination codon, predicted to cause a truncation of the encoded protein or absence of the protein due to nonsense mediated decay, which are commonly known mechanisms for disease. The variant was absent in 250898 control chromosomes. To our knowledge, no occurrence of c.5713C>T in individuals affected with TG-Related Disorders and no experimental evidence demonstrating its impact on protein function have been reported. No submitters have cited clinical-significance assessments for this variant to ClinVar. Based on the evidence outlined above, the variant was classified as pathogenic.

NM_003235.5(TG):c.5713C>T (p.Gln1905Ter)

Gene: TG (thyroglobulin; plus strand). Cytogenetic location: 8q24.22.
Variant type: single nucleotide variant.
Coding change: c.5713C>T on transcript NM_003235.5 (MANE Select); coding-DNA position 5713, C replaced by T.
Protein change: p.Gln1905Ter; replaces glutamine 1905 with a stop codon.
Molecular consequence: nonsense.
Genome position (GRCh38, 1-based): chr8:132,967,820, C>T. VCF-style: chr8-132967820-C-T. GRCh37 (hg19) VCF-style: chr8-133980065-C-T.
Other names: short protein forms Q1905*.
Identifiers: ClinVar variation 3385253 (VCV003385253.1).